The following is an entry in ClinVar:

NM_015141.4(GPD1L):c.8C>T (p.Ala3Val)

Genes: GPD1L (glycerol-3-phosphate dehydrogenase 1 like; plus strand), LOC129936414 (ATAC-STARR-seq lymphoblastoid silent region 14165; plus strand). Cytogenetic location: 3p22.3.
Variant type: single nucleotide variant.
Coding change: c.8C>T on transcript NM_015141.4 (MANE Select); coding-DNA position 8, C replaced by T.
Protein change: p.Ala3Val; replaces alanine 3 with valine.
Molecular consequence: missense variant.
Genome position (GRCh38, 1-based): chr3:32,106,719, C>T. VCF-style: chr3-32106719-C-T. GRCh37 (hg19) VCF-style: chr3-32148211-C-T.
Other names: short protein forms A3V.
Identifiers: ClinVar variation 3282141 (VCV003282141.1).

ClinVar aggregate classification (germline): Uncertain significance (1 of 4 stars; one submission).

Conditions:
Cardiovascular phenotype. Identifiers: MedGen CN230736.

Submission:

Ambry Genetics
Classification: Uncertain significance for Cardiovascular phenotype. Last evaluated: 2024-04-18. Review status: criteria provided, single submitter. Criteria: Ambry Variant Classification Scheme 2023. Collection method: clinical testing. Allele origin: germline.
Comment: The p.A3V variant (also known as c.8C>T), located in coding exon 1 of the GPD1L gene, results from a C to T substitution at nucleotide position 8. The alanine at codon 3 is replaced by valine, an amino acid with similar properties. This amino acid position is conserved. In addition, this alteration is predicted to be tolerated by in silico analysis. Based on the available evidence, the clinical significance of this variant remains unclear.